The following is an entry in ClinVar:

NM_145200.5(CABP4):c.256G>A (p.Ala86Thr)

Gene: CABP4 (calcium binding protein 4; plus strand). Cytogenetic location: 11q13.2.
Variant type: single nucleotide variant.
Coding change: c.256G>A on transcript NM_145200.5 (MANE Select); coding-DNA position 256, G replaced by A.
Protein change: p.Ala86Thr; replaces alanine 86 with threonine.
Molecular consequence: missense variant. On other transcripts: 5 prime UTR variant (2), non-coding transcript variant (1), intron variant (1).
Genome position (GRCh38, 1-based): chr11:67,455,679, G>A. VCF-style: chr11-67455679-G-A. GRCh37 (hg19) VCF-style: chr11-67223150-G-A.
Other names: c.-128G>A (NM_001300895.3); c.-142G>A (NM_001379183.1); c.-112-30G>A (NM_001300896.3); short protein forms A86T.
Identifiers: ClinVar variation 840595 (VCV000840595.8), dbSNP rs757725571, ClinGen allele CA6140114.

ClinVar aggregate classification (germline): Uncertain significance. Review status: criteria provided, single submitter (1 of 4 stars). 2 submissions from 2 submitters: Uncertain significance (1). 1 of the submissions does not count toward it. Last evaluated 2022-08-22.

Conditions:
Retinal dystrophy. Also called: Inherited retinal dystrophy. Identifiers: Orphanet 71862, MedGen C0854723, MeSH D058499, MONDO:0019118, HP:0000556.

Allele frequency attached by ClinVar (database versions not stated): TOPMed below 0.00001; gnomAD exomes 0.00006 and 0.00012; gnomAD 0.00009; ExAC 0.00010.
gnomAD v4.1: 95 of 1,607,756 alleles (0.0059%); highest among the groups gnomAD compares: Non-Finnish European, 0.003%; no homozygotes.

Submissions (2):

Labcorp Genetics (formerly Invitae), Labcorp
Classification: Uncertain significance. Last evaluated: 2022-08-22. Review status: criteria provided, single submitter. Criteria: Invitae Variant Classification Sherloc (09022015). Collection method: clinical testing. Allele origin: germline.
Comment: This sequence change replaces alanine, which is neutral and non-polar, with threonine, which is neutral and polar, at codon 86 of the CABP4 protein (p.Ala86Thr). This variant is present in population databases (rs757725571, gnomAD 0.1%). This variant has not been reported in the literature in individuals affected with CABP4-related conditions. ClinVar contains an entry for this variant (Variation ID: 840595). Algorithms developed to predict the effect of missense changes on protein structure and function output the following: SIFT: "Deleterious"; PolyPhen-2: "Benign"; Align-GVGD: "Class C0". The threonine amino acid residue is found in multiple mammalian species, which suggests that this missense change does not adversely affect protein function. In summary, the available evidence is currently insufficient to determine the role of this variant in disease. Therefore, it has been classified as a Variant of Uncertain Significance.

Institute of Human Genetics, Univ. Regensburg, Univ. Regensburg
Classification: Uncertain significance for Retinal dystrophy. Last evaluated: 2022-01-01. Review status: no assertion criteria provided. Criteria: ACMG Guidelines, 2015. Collection method: clinical testing. Allele origin: germline. Affected: yes. Not counted in ClinVar's aggregate classification.